The following is an entry in ClinVar:

ClinVar aggregate classification (germline): Conflicting classifications of pathogenicity. Review status: criteria provided, conflicting classifications (1 of 4 stars). 12 submissions from 12 submitters: Uncertain significance (1); Benign (2); Likely benign (5). 4 of the submissions do not count toward it. Last evaluated 2026-01-28.

Conditions:
Ellis-van Creveld syndrome (EVC). Also called: Chondroectodermal dysplasia; MESOECTODERMAL DYSPLASIA. Identifiers: Orphanet 289, MedGen C0013903, MONDO:0009162, OMIM 225500.
Curry-Hall syndrome (WAD). Also called: WEYERS ACRODENTAL DYSOSTOSIS. Identifiers: Orphanet 952, MedGen C0457013, MONDO:0008673, OMIM 193530.
EVC-related disorder. Also called: EVC-related condition; EVC-related disorders.

Allele frequency attached by ClinVar (database versions not stated): 1000 Genomes Project 30x 0.00078; 1000 Genomes Project 0.00100; gnomAD 0.00188; TOPMed 0.00204; gnomAD exomes 0.00208 and 0.00271; ExAC 0.00213; ESP Exome Variant Server 0.00284.
gnomAD v4.1: 4,262 of 1,614,114 alleles (0.26%); highest among the groups gnomAD compares: Middle Eastern, 1.2%; 8 homozygotes.

Submissions (12):

Labcorp Genetics (formerly Invitae), Labcorp
Classification: Benign for Curry-Hall syndrome; Ellis-van Creveld syndrome. Last evaluated: 2026-01-28. Review status: criteria provided, single submitter. Criteria: Invitae Variant Classification Sherloc (09022015). Collection method: clinical testing. Allele origin: germline.

Blueprint Genetics
Classification: Likely benign. Last evaluated: 2024-11-25. Review status: criteria provided, single submitter. Criteria: ACMG Guidelines, 2015. Collection method: clinical testing. Allele origin: germline.

CeGaT Center for Human Genetics Tuebingen
Classification: Likely benign. Last evaluated: 2024-08-01. Review status: criteria provided, single submitter. Criteria: CeGaT Center For Human Genetics Tuebingen Variant Classification Criteria Version 2. Collection method: clinical testing. Allele origin: germline. Affected: yes. Observed: 5 variant alleles.
Comment: EVC: BP4, BS2

ARUP Laboratories, Molecular Genetics and Genomics, ARUP Laboratories
Classification: Likely benign. Last evaluated: 2023-11-29. Review status: criteria provided, single submitter. Criteria: ARUP Molecular Germline Variant Investigation Process 2024. Collection method: clinical testing. Allele origin: germline.

GeneDx
Classification: Benign. Last evaluated: 2020-03-25. Review status: criteria provided, single submitter. Criteria: GeneDx Variant Classification Process June 2021. Collection method: clinical testing. Allele origin: germline. Affected: yes.

Illumina Laboratory Services, Illumina
Classification: Likely benign for Ellis-van Creveld syndrome. Last evaluated: 2018-01-13. Review status: criteria provided, single submitter. Criteria: ICSL Variant Classification Criteria 13 December 2019. Collection method: clinical testing. Allele origin: germline.
Comment: This variant was observed in the ICSL laboratory as part of a predisposition screen in an ostensibly healthy population. It had not been previously curated by ICSL or reported in the Human Gene Mutation Database (HGMD: prior to June 1st, 2018), and was therefore a candidate for classification through an automated scoring system. Utilizing variant allele frequency, disease prevalence and penetrance estimates, and inheritance mode, an automated score was calculated to assess if this variant is too frequent to cause the disease. Based on the score and internal cut-off values, a variant classified as likely benign is not then subjected to further curation. The score for this variant resulted in a classification of likely benign for this disease.

Eurofins Ntd Llc (ga)
Classification: Likely benign. Last evaluated: 2017-08-17. Review status: criteria provided, single submitter. Criteria: EGL Classification Definitions 2015. Collection method: clinical testing. Allele origin: germline. Observed: 1 variant allele, 1 heterozygote.

Mayo Clinic Laboratories, Mayo Clinic
Classification: Uncertain significance for Ellis-van Creveld syndrome; Curry-Hall syndrome. Last evaluated: 2017-06-01. Review status: criteria provided, single submitter. Criteria: ACMG Guidelines, 2015. Collection method: clinical testing. Allele origin: maternal.

Natera, Inc.
Classification: Benign for Ellis-van Creveld syndrome. Last evaluated: 2019-10-21. Review status: no assertion criteria provided. Collection method: clinical testing. Allele origin: germline. Not counted in ClinVar's aggregate classification.

PreventionGenetics, part of Exact Sciences
Classification: Likely benign for EVC-related condition. Last evaluated: 2019-06-13. Review status: no assertion criteria provided. Collection method: clinical testing. Allele origin: germline. Not counted in ClinVar's aggregate classification.
Comment: This variant is classified as likely benign based on ACMG/AMP sequence variant interpretation guidelines (Richards et al. 2015 PMID: 25741868, with internal and published modifications).

Clinical Genetics DNA and cytogenetics Diagnostics Lab, Erasmus MC, Erasmus Medical Center
Classification: Likely benign. Review status: no assertion criteria provided. Collection method: clinical testing. Allele origin: germline. Affected: yes. Study: VKGL Data-share Consensus. Not counted in ClinVar's aggregate classification.

Laboratory of Diagnostic Genome Analysis, Leiden University Medical Center (LUMC)
Classification: Likely benign. Review status: no assertion criteria provided. Collection method: clinical testing. Allele origin: germline. Affected: yes. Study: VKGL Data-share Consensus. Not counted in ClinVar's aggregate classification.

Literature cited by the submitters: PubMed 24431330 (cited by Eurofins Ntd Llc (ga)).

NM_153717.3(EVC):c.1369G>A (p.Glu457Lys)

Gene: EVC (EvC ciliary complex subunit 1; plus strand). Cytogenetic location: 4p16.2.
Variant type: single nucleotide variant.
Coding change: c.1369G>A on transcript NM_153717.3 (MANE Select); coding-DNA position 1369, G replaced by A.
Protein change: p.Glu457Lys; replaces glutamic acid 457 with lysine.
Molecular consequence: missense variant.
Genome position (GRCh38, 1-based): chr4:5,753,838, G>A. VCF-style: chr4-5753838-G-A. GRCh37 (hg19) VCF-style: chr4-5755565-G-A.
Other names: c.1369G>A, p.Glu457Lys (NM_001306090.2, NM_001306092.2); short protein forms E457K.
Identifiers: ClinVar variation 349176 (VCV000349176.68), dbSNP rs141859946, ClinGen allele CA2836082.